The following is an entry in ClinVar:

NM_052867.4(NALCN):c.2193A>C (p.Arg731Ser)

Gene: NALCN (sodium leak channel, non-selective; minus strand). Cytogenetic location: 13q33.1.
Variant type: single nucleotide variant.
Coding change: c.2193A>C on transcript NM_052867.4 (MANE Select); coding-DNA position 2193, A replaced by C.
Protein change: p.Arg731Ser; replaces arginine 731 with serine.
Molecular consequence: missense variant.
Genome position (GRCh38, 1-based): chr13:101,111,226, T>G on the plus strand (A>C on the coding strand, the complement: NALCN is on the minus strand). VCF-style: chr13-101111226-T-G. GRCh37 (hg19) VCF-style: chr13-101763577-T-G.
Other names: c.2280A>C, p.Arg760Ser (NM_001350748.2); c.2193A>C, p.Arg731Ser (NM_001350749.2); c.2106A>C, p.Arg702Ser (NM_001350750.2, NM_001350751.2); short protein forms R702S, R731S, R760S.
Identifiers: ClinVar variation 2980452 (VCV002980452.3), dbSNP rs2035418067, ClinGen allele CA388671108.
Genomic context (GRCh38, chr13:101,111,226, plus strand): 5'-CCTCTCCTTTGCGGGCTGCCCCTCAAATGATCCGCTCAGCATGCGCTGTCGGGTGCAAGC[T>G]CTAGGAAAAAAAAAGGAGCCCAAGATAAATGCATGGTTTGTACACTTGAGATGAATAACA-3'
Protein context (NP_443099.1, residues 721-741): EKETAVTKIL[Arg731Ser]ACTRQRMLSG

ClinVar aggregate classification (germline): Uncertain significance (1 of 4 stars; one submission).

Allele frequency attached by ClinVar (database versions not stated): TOPMed below 0.00001.

Submission:

Labcorp Genetics (formerly Invitae), Labcorp
Classification: Uncertain significance. Last evaluated: 2022-11-01. Review status: criteria provided, single submitter. Criteria: Invitae Variant Classification Sherloc (09022015). Collection method: clinical testing. Allele origin: germline.
Comment: Algorithms developed to predict the effect of missense changes on protein structure and function (SIFT, PolyPhen-2, Align-GVGD) all suggest that this variant is likely to be tolerated. In summary, the available evidence is currently insufficient to determine the role of this variant in disease. Therefore, it has been classified as a Variant of Uncertain Significance. This variant has not been reported in the literature in individuals affected with NALCN-related conditions. This sequence change replaces arginine, which is basic and polar, with serine, which is neutral and polar, at codon 731 of the NALCN protein (p.Arg731Ser). This variant is not present in population databases (gnomAD no frequency).